The following is an entry in ClinVar:

ClinVar aggregate classification (germline): Benign (3 of 4 stars; one submission).

Conditions:
Breast-ovarian cancer, familial, susceptibility to, 2 (BROVCA2). Also called: BRCA2 Hereditary Breast and Ovarian Cancer. Identifiers: Orphanet 145, MedGen C2675520, MONDO:0012933, OMIM 612555. Disease mechanism: loss of function.

Allele frequency attached by ClinVar (database versions not stated): gnomAD 0.01364 and 0.01456; TOPMed 0.01505; 1000 Genomes Project 0.01577; 1000 Genomes Project 30x 0.01718.
gnomAD v4.1: 2,056 of 152,278 alleles (1.4%); highest among the groups gnomAD compares: African/African-American, 4.7%; 38 homozygotes.

Submission:

Evidence-based Network for the Interpretation of Germline Mutant Alleles (ENIGMA)
Classification: Benign for Breast-ovarian cancer, familial 2. Last evaluated: 2015-01-12. Review status: reviewed by expert panel. Criteria: ENIGMA BRCA1/2 Classification Criteria (2015). Collection method: curation. Allele origin: germline.
Comment: Class 1 not pathogenic based on frequency >1% in an outbred sampleset. Frequency 0.05285 (African), derived from 1000 genomes (2012-04-30).

NM_000059.4(BRCA2):c.316+1515C>T

Gene: BRCA2 (BRCA2 DNA repair associated; plus strand). Cytogenetic location: 13q13.1.
Variant type: single nucleotide variant.
Coding change: c.316+1515C>T on transcript NM_000059.4 (MANE Select); 1515 bases into the intron after coding-DNA position 316, C replaced by T.
Molecular consequence: intron variant.
Genome position (GRCh38, 1-based): chr13:32,320,840, C>T. VCF-style: chr13-32320840-C-T. GRCh37 (hg19) VCF-style: chr13-32894977-C-T.
Other names: IVS 3+1515C>T.
Identifiers: ClinVar variation 209628 (VCV000209628.1), dbSNP rs7981512, ClinGen allele CA276597.